The following is an entry in ClinVar:

ClinVar aggregate classification (germline): Uncertain significance. Review status: criteria provided, multiple submitters, no conflicts (2 of 4 stars). 2 submissions from 2 submitters: Uncertain significance (2). Last evaluated 2025-12-21.

Conditions:
Disseminated atypical mycobacterial infection. Identifiers: MedGen C0694566.

Allele frequency attached by ClinVar (database versions not stated): TOPMed 0.00001; ExAC 0.00002; gnomAD exomes 0.00002.
gnomAD v4.1: 15 of 1,612,808 alleles (0.00093%); highest among the groups gnomAD compares: Middle Eastern, 0.017%; no homozygotes.

Submissions (2):

Labcorp Genetics (formerly Invitae), Labcorp
Classification: Uncertain significance for Disseminated atypical mycobacterial infection. Last evaluated: 2025-12-21. Review status: criteria provided, single submitter. Criteria: Invitae Variant Classification Sherloc (09022015). Collection method: clinical testing. Allele origin: germline.
Comment: This sequence change replaces asparagine, which is neutral and polar, with aspartic acid, which is acidic and polar, at codon 96 of the IFNGR1 protein (p.Asn96Asp). This variant is present in population databases (rs755616208, gnomAD 0.006%). This variant has not been reported in the literature in individuals affected with IFNGR1-related conditions. ClinVar contains an entry for this variant (Variation ID: 649589). Invitae Evidence Modeling of protein sequence and biophysical properties (such as structural, functional, and spatial information, amino acid conservation, physicochemical variation, residue mobility, and thermodynamic stability) indicates that this missense variant is not expected to disrupt IFNGR1 protein function with a negative predictive value of 80%. In summary, the available evidence is currently insufficient to determine the role of this variant in disease. Therefore, it has been classified as a Variant of Uncertain Significance.

Blueprint Genetics
Classification: Uncertain significance. Last evaluated: 2024-11-20. Review status: criteria provided, single submitter. Criteria: ACMG Guidelines, 2015. Collection method: clinical testing. Allele origin: germline.

NM_000416.3(IFNGR1):c.286A>G (p.Asn96Asp)

Gene: IFNGR1 (interferon gamma receptor 1; minus strand). Cytogenetic location: 6q23.3.
Variant type: single nucleotide variant.
Coding change: c.286A>G on transcript NM_000416.3 (MANE Select); coding-DNA position 286, A replaced by G.
Protein change: p.Asn96Asp; replaces asparagine 96 with aspartic acid.
Molecular consequence: missense variant.
Genome position (GRCh38, 1-based): chr6:137,206,223, T>C on the plus strand (A>G on the coding strand, the complement: IFNGR1 is on the minus strand). VCF-style: chr6-137206223-T-C. GRCh37 (hg19) VCF-style: chr6-137527360-T-C.
Other names: c.256A>G, p.Asn86Asp (NM_001363526.1); c.163A>G, p.Asn55Asp (NM_001363527.1); short protein forms N86D, N55D, N96D.
Identifiers: ClinVar variation 649589 (VCV000649589.9), dbSNP rs755616208, ClinGen allele CA4018998.